The following is an entry in ClinVar:

NM_000228.3(LAMB3):c.1706G>A (p.Arg569Gln)

Gene: LAMB3 (laminin subunit beta 3; minus strand). Cytogenetic location: 1q32.2.
Variant type: single nucleotide variant.
Coding change: c.1706G>A on transcript NM_000228.3 (MANE Select); coding-DNA position 1706, G replaced by A.
Protein change: p.Arg569Gln; replaces arginine 569 with glutamine.
Molecular consequence: missense variant.
Genome position (GRCh38, 1-based): chr1:209,625,918, C>T on the plus strand (G>A on the coding strand, the complement: LAMB3 is on the minus strand). VCF-style: chr1-209625918-C-T. GRCh37 (hg19) VCF-style: chr1-209799263-C-T.
Other names: c.1706G>A, p.Arg569Gln (NM_001017402.2, NM_001127641.1); short protein forms R569Q.
Identifiers: ClinVar variation 2068479 (VCV002068479.3), dbSNP rs368764676, ClinGen allele CA1375486.

ClinVar aggregate classification (germline): Uncertain significance (1 of 4 stars; one submission).

Allele frequency attached by ClinVar (database versions not stated): ESP Exome Variant Server 0.00015; gnomAD 0.00015.
gnomAD v4.1: 130 of 1,613,814 alleles (0.0081%); highest among the groups gnomAD compares: Middle Eastern, 0.016%; no homozygotes.

Submission:

Labcorp Genetics (formerly Invitae), Labcorp
Classification: Uncertain significance. Last evaluated: 2025-04-11. Review status: criteria provided, single submitter. Criteria: Invitae Variant Classification Sherloc (09022015). Collection method: clinical testing. Allele origin: germline.
Comment: This sequence change replaces arginine, which is basic and polar, with glutamine, which is neutral and polar, at codon 569 of the LAMB3 protein (p.Arg569Gln). This variant is present in population databases (rs368764676, gnomAD 0.01%). This variant has not been reported in the literature in individuals affected with LAMB3-related conditions. ClinVar contains an entry for this variant (Variation ID: 2068479). Invitae Evidence Modeling of protein sequence and biophysical properties (such as structural, functional, and spatial information, amino acid conservation, physicochemical variation, residue mobility, and thermodynamic stability) indicates that this missense variant is expected to disrupt LAMB3 protein function with a positive predictive value of 80%. In summary, the available evidence is currently insufficient to determine the role of this variant in disease. Therefore, it has been classified as a Variant of Uncertain Significance.